The following is an entry in ClinVar:

ClinVar aggregate classification (germline): Likely benign (1 of 4 stars; one submission).

Allele frequency attached by ClinVar (database versions not stated): TOPMed 0.00026; gnomAD 0.00029; 1000 Genomes Project 30x 0.00094; 1000 Genomes Project 0.00100; ExAC 0.00376.
gnomAD v4.1: 564 of 1,544,934 alleles (0.037%); highest among the groups gnomAD compares: Middle Eastern, 0.41%; 4 homozygotes.

Submission:

CeGaT Center for Human Genetics Tuebingen
Classification: Likely benign. Last evaluated: 2023-01-01. Review status: criteria provided, single submitter. Criteria: CeGaT Center For Human Genetics Tuebingen Variant Classification Criteria Version 2. Collection method: clinical testing. Allele origin: germline. Affected: yes. Observed: 1 variant allele.
Comment: FIBCD1: BP4, BP7

NM_032843.5(FIBCD1):c.138T>C (p.Ala46=)

Gene: FIBCD1 (fibrinogen C domain containing 1; minus strand). Cytogenetic location: 9q34.12.
Variant type: single nucleotide variant.
Coding change: c.138T>C on transcript NM_032843.5 (MANE Select); coding-DNA position 138, T replaced by C.
Protein change: p.Ala46=; no amino-acid change (alanine 46 retained).
Molecular consequence: synonymous variant.
Genome position (GRCh38, 1-based): chr9:130,929,981, A>G on the plus strand (T>C on the coding strand, the complement: FIBCD1 is on the minus strand). VCF-style: chr9-130929981-A-G. GRCh37 (hg19) VCF-style: chr9-133805368-A-G.
Other names: c.138T>C, p.Ala46= (NM_001145106.2).
Identifiers: ClinVar variation 2659619 (VCV002659619.24), dbSNP rs562398585, ClinGen allele CA5286585.